The following is an entry in ClinVar:

ClinVar aggregate classification (germline): Likely pathogenic (1 of 4 stars; one submission).

Allele frequency attached by ClinVar (database versions not stated): gnomAD exomes below 0.00001.
gnomAD v4.1: 4 of 1,614,166 alleles (0.00025%); highest among the groups gnomAD compares: Non-Finnish European, 0.00034%; no homozygotes.

Submission:

GeneDx
Classification: Likely pathogenic. Last evaluated: 2022-12-13. Review status: criteria provided, single submitter. Criteria: GeneDx Variant Classification Process June 2021. Collection method: clinical testing. Allele origin: germline. Affected: yes.
Comment: Has not been previously published as pathogenic or benign to our knowledge; Intronic +5 splice site variant in a gene for which loss of function is a known mechanism of disease, and splice predictors support a deleterious effect; Not observed at significant frequency in large population cohorts (gnomAD)

NM_021008.4(DEAF1):c.997+5G>A

Gene: DEAF1 (DEAF1 transcription factor; minus strand). Cytogenetic location: 11p15.5.
Variant type: single nucleotide variant.
Coding change: c.997+5G>A on transcript NM_021008.4 (MANE Select); 5 bases into the intron after coding-DNA position 997, G replaced by A.
Molecular consequence: intron variant.
Genome position (GRCh38, 1-based): chr11:680,958, C>T on the plus strand (G>A on the coding strand, the complement: DEAF1 is on the minus strand). VCF-style: chr11-680958-C-T. GRCh37 (hg19) VCF-style: chr11-680958-C-T.
Other names: c.271+5G>A (NM_001367390.1, NM_001440885.1, NM_001440887.1 and 1 more transcripts); c.731-1142G>A (NM_001293634.2); c.997+5G>A (NM_001440884.1, NM_001440883.1).
Identifiers: ClinVar variation 1804187 (VCV001804187.1), dbSNP rs2494417319, ClinGen allele CA2580083853.